The following is an entry in ClinVar:

NM_006618.5(KDM5B):c.529C>T (p.Arg177Ter)

Gene: KDM5B (lysine demethylase 5B; minus strand). Cytogenetic location: 1q32.1.
Variant type: single nucleotide variant.
Coding change: c.529C>T on transcript NM_006618.5 (MANE Select); coding-DNA position 529, C replaced by T.
Protein change: p.Arg177Ter; replaces arginine 177 with a stop codon.
Molecular consequence: nonsense.
Genome position (GRCh38, 1-based): chr1:202,773,165, G>A on the plus strand (C>T on the coding strand, the complement: KDM5B is on the minus strand). VCF-style: chr1-202773165-G-A. GRCh37 (hg19) VCF-style: chr1-202742293-G-A.
Other names: c.529C>T, p.Arg177Ter (NM_001314042.2, NM_001347591.2); c.514C>T, p.Arg172Ter (NM_001399817.1); short protein forms R177*, R172*.
Identifiers: ClinVar variation 521565 (VCV000521565.6), dbSNP rs756616242, ClinGen allele CA1334991.

ClinVar aggregate classification (germline): Conflicting classifications of pathogenicity. Review status: criteria provided, conflicting classifications (1 of 4 stars). 2 submissions from 2 submitters: Pathogenic (1); Uncertain significance (1). Last evaluated 2024-04-15.

Conditions:
Inborn genetic diseases. Identifiers: MedGen C0950123, MeSH D030342.
Intellectual developmental disorder, autosomal recessive 65. Also called: Intellectual disability, autosomal recessive 65; MENTAL RETARDATION, AUTOSOMAL RECESSIVE 65. Identifiers: MedGen C4748219, MONDO:0020850, OMIM 618109.

Allele frequency attached by ClinVar (database versions not stated): gnomAD exomes 0.00002 and 0.00001; TOPMed below 0.00001; gnomAD 0.00001; ExAC 0.00002.
gnomAD v4.1: 11 of 1,613,476 alleles (0.00068%); highest among the groups gnomAD compares: Middle Eastern, 0.016%; no homozygotes.

Submissions (2):

Women's Health and Genetics/Laboratory Corporation of America, LabCorp
Classification: Pathogenic for Intellectual developmental disorder, autosomal recessive 65. Last evaluated: 2024-04-15. Review status: criteria provided, single submitter. Criteria: LabCorp Variant Classification Summary - May 2015. Collection method: clinical testing. Allele origin: germline.
Comment: Variant summary: KDM5B c.529C>T (p.Arg177X) results in a premature termination codon, predicted to cause absence of the protein due to nonsense mediated decay, which is a commonly known mechanism for disease. The variant allele was found at a frequency of 2e-05 in 251368 control chromosomes. c.529C>T has been reported in the literature as a de novo change, without second pathogenic variant, in at-least one individual affected with congenital heart disease (example, Edwards_2020). These data do not allow any conclusion about variant significance. To our knowledge, no experimental evidence demonstrating an impact on protein function has been reported. The following publication have been ascertained in the context of this evaluation (PMID: 32368696). ClinVar contains an entry for this variant (Variation ID: 521565). Based on the evidence outlined above, the variant was classified as pathogenic.

Ambry Genetics
Classification: Uncertain significance for Inborn genetic diseases. Last evaluated: 2017-02-20. Review status: criteria provided, single submitter. Criteria: Ambry exome assertion method (8-5-2015). Collection method: clinical testing. Allele origin: germline. Affected: yes. Observed: 1 variant allele.

Literature cited by the submitters: PubMed 32368696 (cited by Women's Health and Genetics/Laboratory Corporation of America, LabCorp).